The following is an entry in ClinVar:

NM_001127222.2(CACNA1A):c.1261C>T (p.Arg421Trp)

Gene: CACNA1A (calcium voltage-gated channel subunit alpha1 A; minus strand). Cytogenetic location: 19p13.13.
Variant type: single nucleotide variant.
Coding change: c.1261C>T on transcript NM_001127222.2 (MANE Select); coding-DNA position 1261, C replaced by T.
Protein change: p.Arg421Trp; replaces arginine 421 with tryptophan.
Molecular consequence: missense variant.
Genome position (GRCh38, 1-based): chr19:13,330,328, G>A on the plus strand (C>T on the coding strand, the complement: CACNA1A is on the minus strand). VCF-style: chr19-13330328-G-A. GRCh37 (hg19) VCF-style: chr19-13441142-G-A.
Other names: c.1264C>T, p.Arg422Trp (NM_000068.4, NM_001127221.2, NM_001174080.2 and 1 more transcripts); short protein forms R421W, R422W.
Identifiers: ClinVar variation 646230 (VCV000646230.13), dbSNP rs1208991974, ClinGen allele CA404346214.
Genomic context (GRCh38, chr19:13,330,328, plus strand): 5'-GATCCTCAGCCTCTTCGGGGTTGAGCAAATCTGTCTTGCTTTTCTTTATGGTGGTTCTCC[G>A]CAGAGCTCCAACAATGGAAACATGGCAAGAGAAAAAGACGTTACCCTTTTTGCAACACAG-3'
Protein context (NP_001120694.1, residues 411-431): GEQRHPFDAL[Arg421Trp]RTTIKKSKTD

ClinVar aggregate classification (germline): Uncertain significance. Review status: criteria provided, multiple submitters, no conflicts (2 of 4 stars). 3 submissions from 3 submitters: Uncertain significance (3). Last evaluated 2025-06-17.

Conditions:
Developmental and epileptic encephalopathy, 42 (DEE42A). Also called: Epileptic encephalopathy, early infantile, 42; DEVELOPMENTAL AND EPILEPTIC ENCEPHALOPATHY 42A; EPILEPTIC ENCEPHALOPATHY, EARLY INFANTILE, 42A. Identifiers: MedGen C4310716, MONDO:0014917, OMIM 617106.
Episodic ataxia type 2 (EA2). Also called: CEREBELLAR ATAXIA, PAROXYSMAL, ACETAZOLAMIDE-RESPONSIVE; CEREBELLOPATHY, HEREDITARY PAROXYSMAL; EPISODIC ATAXIA, NYSTAGMUS-ASSOCIATED; ATAXIA, EPISODIC, WITH NYSTAGMUS; ATAXIA, FAMILIAL PAROXYSMAL; ACETAZOLAMIDE-RESPONSIVE HEREDITARY PAROXYSMAL CEREBELLAR ATAXIA. Identifiers: Orphanet 97, MedGen C1720416, MONDO:0007163, OMIM 108500.

Allele frequency attached by ClinVar (database versions not stated): gnomAD 0.00001; gnomAD exomes 0.00001; TOPMed 0.00001; 1000 Genomes Project 30x 0.00016.
gnomAD v4.1: 15 of 1,560,308 alleles (0.00096%); highest among the groups gnomAD compares: Middle Eastern, 0.017%; no homozygotes.

Submissions (3):

GeneDx
Classification: Uncertain significance. Last evaluated: 2025-06-17. Review status: criteria provided, single submitter. Criteria: GeneDx Variant Classification Process June 2021. Collection method: clinical testing. Allele origin: germline.
Comment: Identified in a patient with ataxia and distal muscle weakness in the published literature, however detailed clinical information and familial segregation analysis data were not included (PMID: 34806130); In silico analysis supports that this missense variant has a deleterious effect on protein structure/function; This variant is associated with the following publications: (PMID: 34806130)

Labcorp Genetics (formerly Invitae), Labcorp
Classification: Uncertain significance for Developmental and epileptic encephalopathy, 42; Episodic ataxia type 2. Last evaluated: 2024-02-08. Review status: criteria provided, single submitter. Criteria: Invitae Variant Classification Sherloc (09022015). Collection method: clinical testing. Allele origin: germline.
Comment: This sequence change replaces arginine, which is basic and polar, with tryptophan, which is neutral and slightly polar, at codon 422 of the CACNA1A protein (p.Arg422Trp). The frequency data for this variant in the population databases is considered unreliable, as metrics indicate poor data quality at this position in the gnomAD database. This missense change has been observed in individual(s) with clinical features of CACNA1A-related conditions (PMID: 34806130). ClinVar contains an entry for this variant (Variation ID: 646230). Advanced modeling of protein sequence and biophysical properties (such as structural, functional, and spatial information, amino acid conservation, physicochemical variation, residue mobility, and thermodynamic stability) has been performed at Invitae for this missense variant, however the output from this modeling did not meet the statistical confidence thresholds required to predict the impact of this variant on CACNA1A protein function. In summary, the available evidence is currently insufficient to determine the role of this variant in disease. Therefore, it has been classified as a Variant of Uncertain Significance.

Revvity Omics, Revvity
Classification: Uncertain significance. Last evaluated: 2023-11-07. Review status: criteria provided, single submitter. Criteria: ACMG Guidelines, 2015. Collection method: clinical testing. Allele origin: germline.

Literature cited by the submitters: PubMed 34806130 (cited by Labcorp Genetics (formerly Invitae), Labcorp).